The following is an entry in ClinVar:

ClinVar aggregate classification (germline): Uncertain significance (1 of 4 stars; one submission).

Conditions:
Neurodegeneration with brain iron accumulation 6 (NBIA6). Also called: COASY protein-associated neurodegeneration. Identifiers: Orphanet 397725, MedGen C4517377, MONDO:0014290, OMIM 615643.

Submission:

Labcorp Genetics (formerly Invitae), Labcorp
Classification: Uncertain significance for Neurodegeneration with brain iron accumulation 6. Last evaluated: 2021-08-09. Review status: criteria provided, single submitter. Criteria: Invitae Variant Classification Sherloc (09022015). Collection method: clinical testing. Allele origin: germline.
Comment: This variant, c.978_980del, is a complex sequence change that results in the deletion of two and insertion of one amino acid(s) in the COASY protein (p.Asn326_Glu327delinsLys). This variant is present in population databases (rs755151398, ExAC 0.003%). This variant has not been reported in the literature in individuals affected with COASY-related conditions. Experimental studies and prediction algorithms are not available or were not evaluated, and the functional significance of this variant is currently unknown. In summary, the available evidence is currently insufficient to determine the role of this variant in disease. Therefore, it has been classified as a Variant of Uncertain Significance.

NM_025233.7(COASY):c.978_980del (p.Asn326_Glu327delinsLys)

Gene: COASY (Coenzyme A synthase; plus strand). Cytogenetic location: 17q21.2.
Variant type: Deletion.
Coding change: c.978_980del on transcript NM_025233.7 (MANE Select); coding-DNA positions 978 to 980, 3 bases deleted (TGA; older notation c.978_980delTGA).
Protein change: p.Asn326_Glu327delinsLys.
Molecular consequence: inframe indel.
Genome position (GRCh38, 1-based): chr17:42,564,508-42,564,510, TGA deleted; deleting any 3 consecutive bases within chr17:42,564,507-42,564,510 gives the same sequence; the c. name uses the placement nearest the transcript's 3' end. VCF-style (leftmost placement, unchanged base first): chr17-42564506-AATG-A. GRCh37 (hg19) VCF-style: chr17-40716524-AATG-A.
Other names: c.978_980del, p.Asn326_Glu327delinsLys (NM_001042529.3); c.1065_1067del, p.Asn355_Glu356delinsLys (NM_001042532.4).
Identifiers: ClinVar variation 1399646 (VCV001399646.3), dbSNP rs755151398, ClinGen allele CA8578159.